The following is an entry in ClinVar:

NM_032578.4(MYPN):c.1609G>T (p.Asp537Tyr)

Gene: MYPN (myopalladin; plus strand). Cytogenetic location: 10q21.3.
Variant type: single nucleotide variant.
Coding change: c.1609G>T on transcript NM_032578.4 (MANE Select); coding-DNA position 1609, G replaced by T.
Protein change: p.Asp537Tyr; replaces aspartic acid 537 with tyrosine.
Molecular consequence: missense variant. On other transcripts: non-coding transcript variant (2).
Genome position (GRCh38, 1-based): chr10:68,166,302, G>T. VCF-style: chr10-68166302-G-T. GRCh37 (hg19) VCF-style: chr10-69926059-G-T.
Other names: c.1609G>T, p.Asp537Tyr (NM_001256267.2); c.727G>T, p.Asp243Tyr (NM_001256268.2); short protein forms D537Y, D243Y.
Identifiers: ClinVar variation 477741 (VCV000477741.12), dbSNP rs745748075, ClinGen allele CA5522627.

ClinVar aggregate classification (germline): Uncertain significance. Review status: criteria provided, multiple submitters, no conflicts (2 of 4 stars). 2 submissions from 2 submitters: Uncertain significance (2). Last evaluated 2024-11-18.

Conditions:
Dilated cardiomyopathy 1KK (CMD1KK). Identifiers: Orphanet 154, Orphanet 75249, MedGen C3714995, MONDO:0014100, OMIM 615248.
Cardiovascular phenotype. Identifiers: MedGen CN230736.

Allele frequency attached by ClinVar (database versions not stated): ExAC 0.00001; gnomAD 0.00001; gnomAD exomes 0.00001; TOPMed 0.00003.

Submissions (2):

Labcorp Genetics (formerly Invitae), Labcorp
Classification: Uncertain significance for Dilated cardiomyopathy 1KK. Last evaluated: 2024-11-18. Review status: criteria provided, single submitter. Criteria: Invitae Variant Classification Sherloc (09022015). Collection method: clinical testing. Allele origin: germline.
Comment: This sequence change replaces aspartic acid, which is acidic and polar, with tyrosine, which is neutral and polar, at codon 537 of the MYPN protein (p.Asp537Tyr). This variant is present in population databases (rs745748075, gnomAD 0.006%). This variant has not been reported in the literature in individuals affected with MYPN-related conditions. ClinVar contains an entry for this variant (Variation ID: 477741). An algorithm developed to predict the effect of missense changes on protein structure and function (PolyPhen-2) suggests that this variant is likely to be disruptive. In summary, the available evidence is currently insufficient to determine the role of this variant in disease. Therefore, it has been classified as a Variant of Uncertain Significance.

Ambry Genetics
Classification: Uncertain significance for Cardiovascular phenotype. Last evaluated: 2024-08-28. Review status: criteria provided, single submitter. Criteria: Ambry Variant Classification Scheme 2023. Collection method: clinical testing. Allele origin: germline.
Comment: The p.D537Y variant (also known as c.1609G>T), located in coding exon 9 of the MYPN gene, results from a G to T substitution at nucleotide position 1609. The aspartic acid at codon 537 is replaced by tyrosine, an amino acid with highly dissimilar properties. This amino acid position is highly conserved in available vertebrate species. In addition, this alteration is predicted to be deleterious by in silico analysis. Since supporting evidence is limited at this time, the clinical significance of this alteration remains unclear.